The following is an entry in ClinVar:

ClinVar aggregate classification (germline): Pathogenic (1 of 4 stars; one submission).

Conditions:
Rubinstein-Taybi syndrome (RSTS). Identifiers: Orphanet 783, MedGen C0035934, MONDO:0019188.

Submission:

Labcorp Genetics (formerly Invitae), Labcorp
Classification: Pathogenic for Rubinstein-Taybi syndrome. Last evaluated: 2019-12-03. Review status: criteria provided, single submitter. Criteria: Invitae Variant Classification Sherloc (09022015). Collection method: clinical testing. Allele origin: germline.
Comment: For these reasons, this variant has been classified as Pathogenic. Loss-of-function variants in CREBBP are known to be pathogenic (PMID: 17052327, 18792986). This variant has not been reported in the literature in individuals with CREBBP-related conditions. This variant is not present in population databases (ExAC no frequency). This sequence change creates a premature translational stop signal (p.Leu17Serfs*28) in the CREBBP gene. It is expected to result in an absent or disrupted protein product.

Literature cited by the submitters: PubMed 17052327; PubMed 18792986.

NM_004380.3(CREBBP):c.49del (p.Leu17fs)

Genes: CREBBP (CREB binding lysine acetyltransferase; minus strand), LOC130058357 (ATAC-STARR-seq lymphoblastoid silent region 7141; plus strand). Cytogenetic location: 16p13.3.
Variant type: Deletion.
Coding change: c.49del on transcript NM_004380.3 (MANE Select); coding-DNA position 49, one base deleted (C; older notation c.49delC).
Protein change: p.Leu17fs; shifts the reading frame from leucine 17.
Molecular consequence: frameshift variant.
Genome position (GRCh38, 1-based): chr16:3,879,868, G deleted on the plus strand (C on the coding strand, the reverse complement: CREBBP is on the minus strand). VCF-style (leftmost placement, unchanged base first): chr16-3879867-AG-A. GRCh37 (hg19) VCF-style: chr16-3929868-AG-A.
Other names: c.49del, p.Leu17fs (NM_001079846.1); short protein forms L17fs.
Identifiers: ClinVar variation 859497 (VCV000859497.8), dbSNP rs2055490182, ClinGen allele CA916083480.